The following is an entry in ClinVar:

NM_032776.3(JMJD1C):c.4348G>A (p.Val1450Ile)

Gene: JMJD1C (jumonji domain containing 1C; minus strand). Cytogenetic location: 10q21.3.
Variant type: single nucleotide variant.
Coding change: c.4348G>A on transcript NM_032776.3 (MANE Select); coding-DNA position 4348, G replaced by A.
Protein change: p.Val1450Ile; replaces valine 1450 with isoleucine.
Molecular consequence: missense variant. On other transcripts: non-coding transcript variant (1).
Genome position (GRCh38, 1-based): chr10:63,207,321, C>T on the plus strand (G>A on the coding strand, the complement: JMJD1C is on the minus strand). VCF-style: chr10-63207321-C-T. GRCh37 (hg19) VCF-style: chr10-64967081-C-T.
Other names: c.3802G>A, p.Val1268Ile (NM_001282948.2, NM_001318154.2); c.3484G>A, p.Val1162Ile (NM_001318153.2); c.4234G>A, p.Val1412Ile (NM_001322252.2); c.3691G>A, p.Val1231Ile (NM_001322254.2, NM_001322258.2); short protein forms V1412I, V1450I, V1162I, V1231I, V1268I.
Identifiers: ClinVar variation 2920056 (VCV002920056.3), dbSNP rs1461236186, ClinGen allele CA377037874.

ClinVar aggregate classification (germline): Uncertain significance (1 of 4 stars; one submission).

Conditions:
Early Myoclonic Encephalopathy. Identifiers: MedGen C0270855.

Allele frequency attached by ClinVar (database versions not stated): TOPMed 0.00001; gnomAD 0.00001.
gnomAD v4.1: 4 of 1,613,468 alleles (0.00025%); highest among the groups gnomAD compares: South Asian, 0.0022%; no homozygotes.

Submission:

Labcorp Genetics (formerly Invitae), Labcorp
Classification: Uncertain significance for Early Myoclonic Encephalopathy. Last evaluated: 2023-10-28. Review status: criteria provided, single submitter. Criteria: Invitae Variant Classification Sherloc (09022015). Collection method: clinical testing. Allele origin: germline.
Comment: This sequence change replaces valine, which is neutral and non-polar, with isoleucine, which is neutral and non-polar, at codon 1450 of the JMJD1C protein (p.Val1450Ile). This variant is present in population databases (no rsID available, gnomAD 0.003%). This variant has not been reported in the literature in individuals affected with JMJD1C-related conditions. Advanced modeling of protein sequence and biophysical properties (such as structural, functional, and spatial information, amino acid conservation, physicochemical variation, residue mobility, and thermodynamic stability) performed at Invitae indicates that this missense variant is not expected to disrupt JMJD1C protein function with a negative predictive value of 80%. In summary, the available evidence is currently insufficient to determine the role of this variant in disease. Therefore, it has been classified as a Variant of Uncertain Significance.